The following is an entry in ClinVar:

ClinVar aggregate classification (germline): Benign/Likely benign. Review status: criteria provided, multiple submitters, no conflicts (2 of 4 stars). 4 submissions from 4 submitters: Benign (2); Likely benign (1). 1 of the submissions does not count toward it. Last evaluated 2023-06-01.

Conditions:
SPAG17-related disorder. Also called: SPAG17-related condition.

Allele frequency attached by ClinVar (database versions not stated): 1000 Genomes Project 0.00419; 1000 Genomes Project 30x 0.00468; TOPMed 0.00605; gnomAD exomes 0.00699 and 0.00864; ExAC 0.00707; gnomAD 0.00725 and 0.00745; ESP Exome Variant Server 0.00769.
gnomAD v4.1: 13,653 of 1,613,314 alleles (0.85%); highest among the groups gnomAD compares: Middle Eastern, 1.1%; 82 homozygotes.

Submissions (4):

CeGaT Center for Human Genetics Tuebingen
Classification: Likely benign. Last evaluated: 2023-06-01. Review status: criteria provided, single submitter. Criteria: CeGaT Center For Human Genetics Tuebingen Variant Classification Criteria Version 2. Collection method: clinical testing. Allele origin: germline. Affected: yes. Observed: 2 variant alleles.
Comment: SPAG17: BP4, BP7, BS2

Labcorp Genetics (formerly Invitae), Labcorp
Classification: Benign. Last evaluated: 2018-04-10. Review status: criteria provided, single submitter. Criteria: Invitae Variant Classification Sherloc (09022015). Collection method: clinical testing. Allele origin: germline.

Breakthrough Genomics
Classification: Benign. Review status: criteria provided, single submitter. Criteria: ACMG Guidelines, 2015. Collection method: not provided. Allele origin: germline. Inheritance: Autosomal recessive inheritance. Affected: yes.

PreventionGenetics, part of Exact Sciences
Classification: Likely benign for SPAG17-related condition. Last evaluated: 2019-04-15. Review status: no assertion criteria provided. Collection method: clinical testing. Allele origin: germline. Not counted in ClinVar's aggregate classification.
Comment: This variant is classified as likely benign based on ACMG/AMP sequence variant interpretation guidelines (Richards et al. 2015 PMID: 25741868, with internal and published modifications).

NM_206996.4(SPAG17):c.3177T>C (p.Phe1059=)

Gene: SPAG17 (sperm associated antigen 17; minus strand). Cytogenetic location: 1p12.
Variant type: single nucleotide variant.
Coding change: c.3177T>C on transcript NM_206996.4 (MANE Select); coding-DNA position 3177, T replaced by C.
Protein change: p.Phe1059=; no amino-acid change (phenylalanine 1059 retained).
Molecular consequence: synonymous variant.
Genome position (GRCh38, 1-based): chr1:118,039,434, A>G on the plus strand (T>C on the coding strand, the complement: SPAG17 is on the minus strand). VCF-style: chr1-118039434-A-G. GRCh37 (hg19) VCF-style: chr1-118582057-A-G.
Identifiers: ClinVar variation 788080 (VCV000788080.29), dbSNP rs144455655, ClinGen allele CA1033745.